The following is an entry in ClinVar:

NM_033026.6(PCLO):c.311G>C (p.Arg104Pro)

Gene: PCLO (piccolo presynaptic cytomatrix protein; minus strand). Cytogenetic location: 7q21.11.
Variant type: single nucleotide variant.
Coding change: c.311G>C on transcript NM_033026.6 (MANE Select); coding-DNA position 311, G replaced by C.
Protein change: p.Arg104Pro; replaces arginine 104 with proline.
Molecular consequence: missense variant.
Genome position (GRCh38, 1-based): chr7:83,156,330, C>G on the plus strand (G>C on the coding strand, the complement: PCLO is on the minus strand). VCF-style: chr7-83156330-C-G. GRCh37 (hg19) VCF-style: chr7-82785646-C-G.
Other names: c.311G>C, p.Arg104Pro (NM_014510.3); c.311G>C (NM_033026.5); short protein forms R104P.
Identifiers: ClinVar variation 1359847 (VCV001359847.5), dbSNP rs201699382, ClinGen allele CA4321683.
Genomic context (GRCh38, chr7:83,156,330, plus strand): 5'-TTCTGCTCTGACCTGAAAGTGTCTGTAGTTCTACTTTTACTGAGACCAGGTTGAGCTGGA[C>G]GCCCAGGGTCCGGGGGTCTTCCTGATTGCTTTGGAGGATGACTACTATCCAACTCTTGTT-3'
Protein context (NP_149015.2, residues 94-114): KQSGRPPDPG[Arg104Pro]PAQPGLSKSR

ClinVar aggregate classification (germline): Uncertain significance. Review status: criteria provided, multiple submitters, no conflicts (2 of 4 stars). 3 submissions from 3 submitters: Uncertain significance (2). 1 of the submissions does not count toward it. Last evaluated 2022-09-07.

Conditions:
PCLO-related disorder. Also called: PCLO-related condition.
Inborn genetic diseases. Identifiers: MedGen C0950123, MeSH D030342.

gnomAD v4.1: 26 of 1,612,632 alleles (0.0016%); highest among the groups gnomAD compares: Admixed American, 0.023%; no homozygotes.

Submissions (3):

Labcorp Genetics (formerly Invitae), Labcorp
Classification: Uncertain significance. Last evaluated: 2022-09-07. Review status: criteria provided, single submitter. Criteria: Invitae Variant Classification Sherloc (09022015). Collection method: clinical testing. Allele origin: germline.
Comment: This sequence change replaces arginine, which is basic and polar, with proline, which is neutral and non-polar, at codon 104 of the PCLO protein (p.Arg104Pro). This variant is present in population databases (rs201699382, gnomAD 0.01%). This variant has not been reported in the literature in individuals affected with PCLO-related conditions. ClinVar contains an entry for this variant (Variation ID: 1359847). Algorithms developed to predict the effect of missense changes on protein structure and function are either unavailable or do not agree on the potential impact of this missense change (SIFT: "Deleterious"; PolyPhen-2: "Not Available"; Align-GVGD: "Class C0"). In summary, the available evidence is currently insufficient to determine the role of this variant in disease. Therefore, it has been classified as a Variant of Uncertain Significance.

Ambry Genetics
Classification: Uncertain significance for Inborn genetic diseases. Last evaluated: 2021-10-26. Review status: criteria provided, single submitter. Criteria: Ambry Variant Classification Scheme 2023. Collection method: clinical testing. Allele origin: germline.

PreventionGenetics, part of Exact Sciences
Classification: Uncertain significance for PCLO-related condition. Last evaluated: 2024-04-17. Review status: no assertion criteria provided. Collection method: clinical testing. Allele origin: germline. Not counted in ClinVar's aggregate classification.
Comment: The PCLO c.311G>C variant is predicted to result in the amino acid substitution p.Arg104Pro. To our knowledge, this variant has not been reported in the literature. This variant is reported in 0.023% of alleles in individuals of Latino descent in gnomAD. At this time, the clinical significance of this variant is uncertain due to the absence of conclusive functional and genetic evidence.